The following is an entry in ClinVar:

ClinVar aggregate classification (germline): Likely pathogenic (1 of 4 stars; one submission).

Conditions:
Galactosemia. Also called: Galactose intolerance. Identifiers: Orphanet 352, MedGen C0016952, MONDO:0018116, HP:0004919. Disease mechanism: loss of function.

Submission:

Natera, Inc.
Classification: Likely pathogenic for Galactosemia. Last evaluated: 2025-01-30. Review status: criteria provided, single submitter. Criteria: Natera Variant Classification Schema (03/2026). Collection method: clinical testing. Allele origin: germline.
Comment: The c.507+1G>T variant in GALT is a canonical splice donor site variant predicted to affect pre-mRNA splicing, which may result in an abnormal transcript and altered protein product. This variant is expected to result in nonsense mediated decay, truncation, or a dysfunctional protein product. This variant is rare in the general population with a frequency below the threshold expected for the associated phenotype(s). Given the available evidence, this variant is classified as Likely Pathogenic.

NM_000155.4(GALT):c.507+1G>T

Gene: GALT (galactose-1-phosphate uridylyltransferase; plus strand). Cytogenetic location: 9p13.3.
Variant type: single nucleotide variant.
Coding change: c.507+1G>T on transcript NM_000155.4 (MANE Select); the canonical splice donor site of the intron after coding-DNA position 507, G replaced by T.
Molecular consequence: splice donor variant.
Genome position (GRCh38, 1-based): chr9:34,647,962, G>T. VCF-style: chr9-34647962-G-T. GRCh37 (hg19) VCF-style: chr9-34647959-G-T.
Other names: c.180+1G>T (NM_001258332.2).
Identifiers: ClinVar variation 4068315 (VCV004068315.2).